The following is an entry in ClinVar:

ClinVar aggregate classification (germline): Uncertain significance. Review status: criteria provided, single submitter (1 of 4 stars). 2 submissions from 2 submitters: Uncertain significance (1). 1 of the submissions does not count toward it. Last evaluated 2022-08-16.

Conditions:
Cohen syndrome (COH1). Also called: PEPPER SYNDROME; Cutis verticis gyrata, retinitis pigmentosa, and sensorineural deafness. Identifiers: Orphanet 193, MedGen C0265223, MONDO:0008999, OMIM 216550.
VPS13B-related disorder. Also called: VPS13B-related condition.

Allele frequency attached by ClinVar (database versions not stated): gnomAD 0.00001; TOPMed 0.00002; ExAC 0.00003.
gnomAD v4.1: 37 of 1,613,086 alleles (0.0023%); highest among the groups gnomAD compares: Non-Finnish European, 0.0031%; no homozygotes.

Submissions (2):

Labcorp Genetics (formerly Invitae), Labcorp
Classification: Uncertain significance for Cohen syndrome. Last evaluated: 2022-08-16. Review status: criteria provided, single submitter. Criteria: Invitae Variant Classification Sherloc (09022015). Collection method: clinical testing. Allele origin: germline.
Comment: This sequence change replaces glycine, which is neutral and non-polar, with arginine, which is basic and polar, at codon 1654 of the VPS13B protein (p.Gly1654Arg). This variant is present in population databases (rs776600965, gnomAD 0.004%). This variant has not been reported in the literature in individuals affected with VPS13B-related conditions. Algorithms developed to predict the effect of missense changes on protein structure and function are either unavailable or do not agree on the potential impact of this missense change (SIFT: "Not Available"; PolyPhen-2: "Probably Damaging"; Align-GVGD: "Not Available"). In summary, the available evidence is currently insufficient to determine the role of this variant in disease. Therefore, it has been classified as a Variant of Uncertain Significance.

PreventionGenetics, part of Exact Sciences
Classification: Uncertain significance for VPS13B-related condition. Last evaluated: 2024-01-12. Review status: no assertion criteria provided. Collection method: clinical testing. Allele origin: germline. Not counted in ClinVar's aggregate classification.
Comment: The VPS13B c.4885G>A variant is predicted to result in the amino acid substitution p.Gly1629Arg. To our knowledge, this variant has not been reported in the literature. This variant is reported in 0.0035% of alleles in individuals of European (Non-Finnish) descent in gnomAD. At this time, the clinical significance of this variant is uncertain due to the absence of conclusive functional and genetic evidence.

NM_152564.5(VPS13B):c.4885G>A (p.Gly1629Arg)

Gene: VPS13B (vacuolar protein sorting 13 homolog B; plus strand). Cytogenetic location: 8q22.2.
Variant type: single nucleotide variant.
Coding change: c.4885G>A on transcript NM_152564.5 (MANE Select); coding-DNA position 4885, G replaced by A.
Protein change: p.Gly1629Arg; replaces glycine 1629 with arginine.
Molecular consequence: missense variant.
Genome position (GRCh38, 1-based): chr8:99,556,589, G>A. VCF-style: chr8-99556589-G-A. GRCh37 (hg19) VCF-style: chr8-100568817-G-A.
Other names: c.4960G>A, p.Gly1654Arg (NM_017890.5); short protein forms G1629R, G1654R.
Identifiers: ClinVar variation 2142460 (VCV002142460.2), dbSNP rs776600965, ClinGen allele CA4823673.